The following is an entry in ClinVar:

NM_002351.5(SH2D1A):c.287T>C (p.Ile96Thr)

Gene: SH2D1A (SH2 domain containing 1A; plus strand). Cytogenetic location: Xq25.
Variant type: single nucleotide variant.
Coding change: c.287T>C on transcript NM_002351.5 (MANE Select); coding-DNA position 287, T replaced by C.
Protein change: p.Ile96Thr; replaces isoleucine 96 with threonine.
Molecular consequence: missense variant.
Genome position (GRCh38, 1-based): chrX:124,370,261, T>C. VCF-style: chrX-124370261-T-C. GRCh37 (hg19) VCF-style: chrX-123504111-T-C.
Other names: c.287T>C, p.Ile96Thr (NM_001114937.3); short protein forms I96T.
Identifiers: ClinVar variation 3650028 (VCV003650028.2).

ClinVar aggregate classification (germline): Uncertain significance (1 of 4 stars; one submission).

Conditions:
X-linked lymphoproliferative disease due to SH2D1A deficiency (XLP1). Also called: SH2D1A-Related Lymphoproliferative Disease, X-Linked; DUNCAN DISEASE; IMMUNODEFICIENCY 5; IMMUNODEFICIENCY, X-LINKED PROGRESSIVE COMBINED VARIABLE; INFECTIOUS MONONUCLEOSIS, SEVERE, SUSCEPTIBILITY TO; PURTILO SYNDROME. Identifiers: Orphanet 2442, Orphanet 538931, MedGen C5399825, MONDO:0024551, OMIM 308240.

Submission:

Labcorp Genetics (formerly Invitae), Labcorp
Classification: Uncertain significance for X-linked lymphoproliferative disease due to SH2D1A deficiency. Last evaluated: 2024-04-25. Review status: criteria provided, single submitter. Criteria: Invitae Variant Classification Sherloc (09022015). Collection method: clinical testing. Allele origin: germline.
Comment: This sequence change replaces isoleucine, which is neutral and non-polar, with threonine, which is neutral and polar, at codon 96 of the SH2D1A protein (p.Ile96Thr). This variant is not present in population databases (gnomAD no frequency). This variant has not been reported in the literature in individuals affected with SH2D1A-related conditions. Algorithms developed to predict the effect of missense changes on protein structure and function output the following: SIFT: "Not Available"; PolyPhen-2: "Benign"; Align-GVGD: "Not Available". The threonine amino acid residue is found in multiple mammalian species, which suggests that this missense change does not adversely affect protein function. In summary, the available evidence is currently insufficient to determine the role of this variant in disease. Therefore, it has been classified as a Variant of Uncertain Significance.